The following is an entry in ClinVar:

NM_001972.4(ELANE):c.568G>A (p.Val190Met)

Gene: ELANE (elastase, neutrophil expressed; plus strand). Cytogenetic location: 19p13.3.
Variant type: single nucleotide variant.
Coding change: c.568G>A on transcript NM_001972.4 (MANE Select); coding-DNA position 568, G replaced by A.
Protein change: p.Val190Met; replaces valine 190 with methionine.
Molecular consequence: missense variant.
Genome position (GRCh38, 1-based): chr19:855,765, G>A. VCF-style: chr19-855765-G-A. GRCh37 (hg19) VCF-style: chr19-855765-G-A.
Other names: c.568G>A (LRG_57t1); short protein forms V190M.
Identifiers: ClinVar variation 242296 (VCV000242296.14), dbSNP rs367663236, ClinGen allele CA10583963.

ClinVar aggregate classification (germline): Conflicting classifications of pathogenicity. Review status: criteria provided, conflicting classifications (1 of 4 stars). 5 submissions from 5 submitters: Uncertain significance (4); Likely benign (1). Last evaluated 2025-12-01.

Conditions:
Cyclical neutropenia. Also called: Cyclic Neutropenia; Cyclic hematopoiesis. Identifiers: Orphanet 2686, MedGen C0221023, MONDO:0008090, OMIM 162800, HP:0040289. Disease mechanism: loss of function.
Neutropenia, severe congenital, 1, autosomal dominant. Identifiers: MedGen C1859966, MONDO:0042490, OMIM 202700.
Autoinflammatory syndrome. Identifiers: Orphanet 93665, MedGen C3890737, MONDO:0019751.

Allele frequency attached by ClinVar (database versions not stated): gnomAD 0.00004; TOPMed 0.00004; ESP Exome Variant Server 0.00023.

Submissions (5):

Labcorp Genetics (formerly Invitae), Labcorp
Classification: Uncertain significance for Neutropenia, severe congenital, 1, autosomal dominant; Cyclical neutropenia. Last evaluated: 2025-12-01. Review status: criteria provided, single submitter. Criteria: Invitae Variant Classification Sherloc (09022015). Collection method: clinical testing. Allele origin: germline.
Comment: This sequence change replaces valine, which is neutral and non-polar, with methionine, which is neutral and non-polar, at codon 190 of the ELANE protein (p.Val190Met). This variant is present in population databases (rs367663236, gnomAD 0.006%). This missense change has been observed in individual(s) with congenital neutropenias (PMID: 38600884). ClinVar contains an entry for this variant (Variation ID: 242296). Invitae Evidence Modeling of protein sequence and biophysical properties (such as structural, functional, and spatial information, amino acid conservation, physicochemical variation, residue mobility, and thermodynamic stability) has been performed for this missense variant. However, the output from this modeling did not meet the statistical confidence thresholds required to predict the impact of this variant on ELANE protein function. In summary, the available evidence is currently insufficient to determine the role of this variant in disease. Therefore, it has been classified as a Variant of Uncertain Significance.

Blueprint Genetics
Classification: Uncertain significance. Last evaluated: 2024-09-23. Review status: criteria provided, single submitter. Criteria: ACMG Guidelines, 2015. Collection method: clinical testing. Allele origin: germline.

GeneDx
Classification: Uncertain significance. Last evaluated: 2024-05-14. Review status: criteria provided, single submitter. Criteria: GeneDx Variant Classification Process June 2021. Collection method: clinical testing. Allele origin: germline. Affected: yes.
Comment: In silico analysis indicates that this missense variant does not alter protein structure/function; Has not been previously published as pathogenic or benign to our knowledge; In silico analysis is inconclusive as to whether the variant alters gene splicing. In the absence of RNA/functional studies, the actual effect of this sequence change is unknown.; Also known as V161M; This variant is associated with the following publications: (PMID: 35571273)

Genome Diagnostics Laboratory, The Hospital for Sick Children
Classification: Likely benign for Autoinflammatory syndrome. Last evaluated: 2021-09-02. Review status: criteria provided, single submitter. Criteria: ACMG Guidelines, 2015. Collection method: clinical testing. Allele origin: germline. Affected: yes.

Genetic Services Laboratory, University of Chicago
Classification: Uncertain significance. Last evaluated: 2019-12-17. Review status: criteria provided, single submitter. Criteria: ACMG Guidelines, 2015. Collection method: clinical testing. Allele origin: germline. Affected: no.
Comment: DNA sequence analysis of the ELANE gene demonstrated a sequence change, c.568G>A, in exon 4 that results in an amino acid change, p.Val190Met. This sequence change does not appear to have been previously described in patients with ELANE-related disorders and has been described in the gnomAD database with a frequency of 0.006% in European populations (dbSNP rs367663236). The p.Val190Met change affects a highly conserved amino acid residue located in a domain of the ELANE protein that is known to be functional. In-silico pathogenicity prediction tools (SIFT, PolyPhen2, Align GVGD, REVEL) provide contradictory results for the p.Val190Met substitution. Due to these contrasting evidences and the lack of functional studies, the clinical significance of the p.Val190Met change remains unknown at this time.

Literature cited by the submitters: PubMed 38600884 (cited by Labcorp Genetics (formerly Invitae), Labcorp).